The following is an entry in ClinVar:

ClinVar aggregate classification (germline): Likely pathogenic (1 of 4 stars; one submission).

Conditions:
Aicardi-Goutieres syndrome 5. Identifiers: Orphanet 51, MedGen C2749659, MONDO:0013059, OMIM 612952.

Allele frequency attached by ClinVar (database versions not stated): TOPMed below 0.00001; ExAC 0.00001; ESP Exome Variant Server 0.00008.
gnomAD v4.1: 1 of 1,607,022 alleles (0.000062%); highest among the groups gnomAD compares: African/African-American, 0.0013%; no homozygotes.

Submission:

Labcorp Genetics (formerly Invitae), Labcorp
Classification: Likely pathogenic for Aicardi-Goutieres syndrome 5. Last evaluated: 2024-05-29. Review status: criteria provided, single submitter. Criteria: Invitae Variant Classification Sherloc (09022015). Collection method: clinical testing. Allele origin: germline.
Comment: This sequence change affects a donor splice site in intron 14 of the SAMHD1 gene. It is expected to disrupt RNA splicing. Variants that disrupt the donor or acceptor splice site typically lead to a loss of protein function (PMID: 16199547), and loss-of-function variants in SAMHD1 are known to be pathogenic (PMID: 19525956, 22461318). This variant is present in population databases (rs373731440, gnomAD 0.007%). This variant has not been reported in the literature in individuals affected with SAMHD1-related conditions. ClinVar contains an entry for this variant (Variation ID: 1476301). Algorithms developed to predict the effect of sequence changes on RNA splicing suggest that this variant may disrupt the consensus splice site. In summary, the currently available evidence indicates that the variant is pathogenic, but additional data are needed to prove that conclusively. Therefore, this variant has been classified as Likely Pathogenic.

Literature cited by the submitters: PubMed 16199547; PubMed 19525956; PubMed 22461318.

NM_015474.4(SAMHD1):c.1608+1G>A

Gene: SAMHD1 (SAM and HD domain containing deoxynucleoside triphosphate triphosphohydrolase 1; minus strand). Cytogenetic location: 20q11.23.
Variant type: single nucleotide variant.
Coding change: c.1608+1G>A on transcript NM_015474.4 (MANE Select); the canonical splice donor site of the intron after coding-DNA position 1608, G replaced by A.
Molecular consequence: splice donor variant. On other transcripts: intron variant (1).
Genome position (GRCh38, 1-based): chr20:36,898,439, C>T on the plus strand (G>A on the coding strand, the complement: SAMHD1 is on the minus strand). VCF-style: chr20-36898439-C-T. GRCh37 (hg19) VCF-style: chr20-35526842-C-T.
Other names: c.1504-480G>A (NM_001363729.2); c.1608+1G>A (NM_001363733.2).
Identifiers: ClinVar variation 1476301 (VCV001476301.8), dbSNP rs373731440, ClinGen allele CA9844460.